The following is an entry in ClinVar:

ClinVar aggregate classification (germline): Uncertain significance. Review status: criteria provided, multiple submitters, no conflicts (2 of 4 stars). 2 submissions from 2 submitters: Uncertain significance (2). Last evaluated 2024-12-10.

Conditions:
Primary ciliary dyskinesia. Also called: Ciliary dyskinesia. Identifiers: Orphanet 244, MedGen C0008780, MONDO:0016575, HP:0012265.

Allele frequency attached by ClinVar (database versions not stated): gnomAD exomes below 0.00001; gnomAD 0.00001.
gnomAD v4.1: 2 of 1,612,148 alleles (0.00012%); highest among the groups gnomAD compares: Non-Finnish European, 0.00017%; no homozygotes.

Submissions (2):

Ambry Genetics
Classification: Uncertain significance. Last evaluated: 2024-12-10. Review status: criteria provided, single submitter. Criteria: Ambry Variant Classification Scheme 2023. Collection method: clinical testing. Allele origin: germline.

Labcorp Genetics (formerly Invitae), Labcorp
Classification: Uncertain significance for Primary ciliary dyskinesia. Last evaluated: 2024-02-01. Review status: criteria provided, single submitter. Criteria: Invitae Variant Classification Sherloc (09022015). Collection method: clinical testing. Allele origin: germline.
Comment: This sequence change replaces phenylalanine, which is neutral and non-polar, with tyrosine, which is neutral and polar, at codon 1800 of the DNAH8 protein (p.Phe1800Tyr). This variant is not present in population databases (gnomAD no frequency). This variant has not been reported in the literature in individuals affected with DNAH8-related conditions. Advanced modeling of protein sequence and biophysical properties (such as structural, functional, and spatial information, amino acid conservation, physicochemical variation, residue mobility, and thermodynamic stability) performed at Invitae indicates that this missense variant is not expected to disrupt DNAH8 protein function with a negative predictive value of 80%. In summary, the available evidence is currently insufficient to determine the role of this variant in disease. Therefore, it has been classified as a Variant of Uncertain Significance.

NM_001206927.2(DNAH8):c.5399T>A (p.Phe1800Tyr)

Gene: DNAH8 (dynein axonemal heavy chain 8; plus strand). Cytogenetic location: 6p21.2.
Variant type: single nucleotide variant.
Coding change: c.5399T>A on transcript NM_001206927.2 (MANE Select); coding-DNA position 5399, T replaced by A.
Protein change: p.Phe1800Tyr; replaces phenylalanine 1800 with tyrosine.
Molecular consequence: missense variant.
Genome position (GRCh38, 1-based): chr6:38,851,607, T>A. VCF-style: chr6-38851607-T-A. GRCh37 (hg19) VCF-style: chr6-38819383-T-A.
Other names: c.5399T>A (NM_001206927.1); c.4748T>A, p.Phe1583Tyr (NM_001371.4); short protein forms F1800Y, F1583Y.
Identifiers: ClinVar variation 2960180 (VCV002960180.4), dbSNP rs1775751486, ClinGen allele CA364012163.
Genomic context (GRCh38, chr6:38,851,607, plus strand): 5'-AACATACTGTCGACTTTATTTGAAGGTATTTGGAGAAGAAACGATTACTGTTTCCAAGAT[T>A]CTTCTTTGTATCTGATCCAGTTCTCCTGGAAATTCTTGGACAAGCCAGTGATTCCCACAC-3'
Protein context (NP_001193856.1, residues 1790-1810): LEKKRLLFPR[Phe1800Tyr]FFVSDPVLLE